The following is an entry in ClinVar:

ClinVar aggregate classification (germline): Pathogenic (1 of 4 stars; one submission).

Conditions:
Autosomal recessive nonsyndromic hearing loss 7. Also called: DEAFNESS, AUTOSOMAL RECESSIVE 11. Identifiers: Orphanet 90636, MedGen C1832978, MONDO:0010967, OMIM 600974.

Submission:

Human Molecular Genetics Lab, University of Swat
Classification: Pathogenic for Autosomal recessive nonsyndromic hearing loss 7. Last evaluated: 2026-02-02. Review status: criteria provided, single submitter. Criteria: ACMG Guidelines, 2015. Collection method: research. Allele origin: germline, unknown. Inheritance: Autosomal recessive inheritance. Affected: yes and no. Observed: 4 variant alleles, 2 heterozygotes, 2 homozygotes.
Comment: The NM_138691.2 c.1749C>G is missense variant in TMC1. It replaces Asparagine which is a highly conserved amino acid at this position (p.Asn583Lys) across various species including human beings by Lysine. The variant is also predicted to be deleterious by various bioinformatics tools. This variant was found in five individuals with hearing impairment in a consanguineous Pakistani family. The variant perfectly segregate with the disease in the family, as they (the individuals with hearing impairment) inherited the variant from their heterozygous carrier parents, who were phenotypically normal. Beside the parents, the phenotypically normal siblings of the individuals with hearing impairment where also heterozygous carrier for the variant. This variant is not present in gnomAD. In summary this variant meets the criteria to be classified as pathogenic and likely pathogenic as predicted by various bioinformatics tools and based on the ACMG/AMP criteria.

Literature cited by the submitters: PMC 6709533.

NM_138691.3(TMC1):c.1749C>G (p.Asn583Lys)

Gene: TMC1 (transmembrane channel like 1; plus strand). Cytogenetic location: 9q21.13.
Variant type: single nucleotide variant.
Coding change: c.1749C>G on transcript NM_138691.3 (MANE Select); coding-DNA position 1749, C replaced by G.
Protein change: p.Asn583Lys; replaces asparagine 583 with lysine.
Molecular consequence: missense variant.
Genome position (GRCh38, 1-based): chr9:72,816,196, C>G. VCF-style: chr9-72816196-C-G. GRCh37 (hg19) VCF-style: chr9-75431112-C-G.
Other names: short protein forms N583K.
Identifiers: ClinVar variation 4796009 (VCV004796009.1).
Genomic context (GRCh38, chr9:72,816,196, plus strand): 5'-CCTCTAGCCTTCATACACCGAATTCGACATCAGTGGCAACGTCCTCGCTCTGATCTTCAA[C>G]CAAGGCATGATCTGGTAGGCCAGCTGTTGGACAGCTTATCACTTACAGAAAAGCCTCCCA-3'
Protein context (NP_619636.2, residues 573-593): ISGNVLALIF[Asn583Lys]QGMIWMGSFF